The following is an entry in ClinVar:

ClinVar aggregate classification (germline): Uncertain significance (0 of 4 stars; one submission).

Conditions:
ADAMTS13-related disorder. Also called: ADAMTS13-related condition.

Allele frequency attached by ClinVar (database versions not stated): gnomAD exomes below 0.00001; TOPMed below 0.00001.
gnomAD v4.1: 2 of 1,555,034 alleles (0.00013%); highest among the groups gnomAD compares: Non-Finnish European, 0.00017%; no homozygotes.

Submission:

PreventionGenetics, part of Exact Sciences
Classification: Uncertain significance for ADAMTS13-related condition. Last evaluated: 2024-06-11. Review status: no assertion criteria provided. Collection method: clinical testing. Allele origin: germline.
Comment: The ADAMTS13 c.2408C>T variant is predicted to result in the amino acid substitution p.Pro803Leu. To our knowledge, this variant has not been reported in the literature or in a large population database, indicating this variant is rare. At this time, the clinical significance of this variant is uncertain due to the absence of conclusive functional and genetic evidence.

NM_139027.6(ADAMTS13):c.2408C>T (p.Pro803Leu)

Gene: ADAMTS13 (ADAM metallopeptidase with thrombospondin type 1 motif 13; plus strand). Cytogenetic location: 9q34.2.
Variant type: single nucleotide variant.
Coding change: c.2408C>T on transcript NM_139027.6 (MANE Select); coding-DNA position 2408, C replaced by T.
Protein change: p.Pro803Leu; replaces proline 803 with leucine.
Molecular consequence: missense variant.
Genome position (GRCh38, 1-based): chr9:133,443,549, C>T. VCF-style: chr9-133443549-C-T. GRCh37 (hg19) VCF-style: chr9-136308670-C-T.
Other names: c.2408C>T, p.Pro803Leu (NM_139025.5); c.2315C>T, p.Pro772Leu (NM_139026.6); short protein forms P772L, P803L.
Identifiers: ClinVar variation 2635832 (VCV002635832.2), dbSNP rs982011248, ClinGen allele CA200934958.